The following is an entry in ClinVar:

ClinVar aggregate classification (germline): Benign/Likely benign. Review status: criteria provided, multiple submitters, no conflicts (2 of 4 stars). 6 submissions from 6 submitters: Benign (4); Likely benign (2). Last evaluated 2026-04-08.

Conditions:
Cardiovascular phenotype. Identifiers: MedGen CN230736.

Allele frequency attached by ClinVar (database versions not stated): gnomAD exomes 0.00030 and 0.00063; ExAC 0.00079; 1000 Genomes Project 0.00240; 1000 Genomes Project 30x 0.00297; gnomAD 0.00319 and 0.00344; TOPMed 0.00352.
gnomAD v4.1: 911 of 1,549,530 alleles (0.059%); highest among the groups gnomAD compares: African/African-American, 1.1%; 7 homozygotes.

Submissions (6):

Women's Health and Genetics/Laboratory Corporation of America, LabCorp
Classification: Benign. Last evaluated: 2026-04-08. Review status: criteria provided, single submitter. Criteria: LabCorp Variant Classification Summary - May 2015. Collection method: clinical testing. Allele origin: germline.
Comment: Variant summary: ZNF469 c.6388C>G (p.Leu2130Val) results in a conservative amino acid change in the encoded protein sequence. Algorithms developed to predict the effect of missense changes on protein structure and function are either unavailable or do not agree on the potential impact of this missense change. The variant allele was found at a frequency of 0.00063 in 148564 control chromosomes, predominantly at a frequency of 0.01 within the African or African-American subpopulation in the gnomAD database, including 2 homozygotes. The observed variant frequency within African or African-American control individuals in the gnomAD database exceeds the estimated maximal expected allele frequency for disease-causing variants in ZNF469. To our knowledge, no occurrence of c.6388C>G in individuals affected with ZNF469-related conditions and no experimental evidence demonstrating its impact on protein function have been reported. ClinVar contains an entry for this variant (Variation ID: 320953). Based on the evidence outlined above, the variant was classified as benign.

CeGaT Center for Human Genetics Tuebingen
Classification: Likely benign. Last evaluated: 2026-04-01. Review status: criteria provided, single submitter. Criteria: CeGaT Center For Human Genetics Tuebingen Variant Classification Criteria Version 2. Collection method: clinical testing. Allele origin: germline. Affected: yes. Observed: 2 variant alleles.
Comment: ZNF469: BP4, BS1

Labcorp Genetics (formerly Invitae), Labcorp
Classification: Benign. Last evaluated: 2026-02-02. Review status: criteria provided, single submitter. Criteria: Invitae Variant Classification Sherloc (09022015). Collection method: clinical testing. Allele origin: germline.

Mayo Clinic Laboratories, Mayo Clinic
Classification: Benign. Last evaluated: 2025-06-05. Review status: criteria provided, single submitter. Criteria: ACMG Guidelines, 2015. Collection method: clinical testing. Allele origin: germline. Observed: 2 variant alleles.
Comment: BS1, BS2, BP4

Ambry Genetics
Classification: Likely benign for Cardiovascular phenotype. Last evaluated: 2019-07-05. Review status: criteria provided, single submitter. Criteria: Ambry Variant Classification Scheme 2023. Collection method: clinical testing. Allele origin: germline.

GeneDx
Classification: Benign. Last evaluated: 2019-03-08. Review status: criteria provided, single submitter. Criteria: GeneDx Variant Classification Process June 2021. Collection method: clinical testing. Allele origin: germline. Affected: yes.

NM_001367624.2(ZNF469):c.6388C>G (p.Leu2130Val)

Gene: ZNF469 (zinc finger protein 469; plus strand). Cytogenetic location: 16q24.2.
Variant type: single nucleotide variant.
Coding change: c.6388C>G on transcript NM_001367624.2 (MANE Select); coding-DNA position 6388, C replaced by G.
Protein change: p.Leu2130Val; replaces leucine 2130 with valine.
Molecular consequence: missense variant.
Genome position (GRCh38, 1-based): chr16:88,433,858, C>G. VCF-style: chr16-88433858-C-G. GRCh37 (hg19) VCF-style: chr16-88500266-C-G.
Other names: NM_001127464.1:c.6304C>G; p.Leu2130Val; short protein forms L2130V.
Identifiers: ClinVar variation 320953 (VCV000320953.25), dbSNP rs562559927, ClinGen allele CA8225146.